The following is an entry in ClinVar:

NM_001267550.2(TTN):c.69307A>C (p.Lys23103Gln)

Genes: TTN (titin; minus strand), TTN-AS1 (TTN antisense RNA 1; plus strand). Cytogenetic location: 2q31.2.
Variant type: single nucleotide variant.
Coding change: c.69307A>C on transcript NM_001267550.2 (MANE Select); coding-DNA position 69307, A replaced by C.
Protein change: p.Lys23103Gln; replaces lysine 23103 with glutamine.
Molecular consequence: missense variant.
Genome position (GRCh38, 1-based): chr2:178,577,028, T>G on the plus strand (A>C on the coding strand, the complement: TTN is on the minus strand). VCF-style: chr2-178577028-T-G. GRCh37 (hg19) VCF-style: chr2-179441755-T-G.
Other names: c.64384A>C, p.Lys21462Gln (NM_001256850.1); c.42112A>C, p.Lys14038Gln (NM_003319.4); c.61603A>C, p.Lys20535Gln (NM_133378.4); c.42487A>C, p.Lys14163Gln (NM_133432.3); c.42688A>C, p.Lys14230Gln (NM_133437.4); short protein forms K14163Q, K14038Q, K14230Q, K23103Q, K20535Q, K21462Q.
Identifiers: ClinVar variation 1738754 (VCV001738754.2), dbSNP rs2046589566, ClinGen allele CA349669184.

ClinVar aggregate classification (germline): Uncertain significance (1 of 4 stars; one submission).

Conditions:
Cardiovascular phenotype. Identifiers: MedGen CN230736.

Allele frequency attached by ClinVar (database versions not stated): TOPMed below 0.00001.

Submission:

Ambry Genetics
Classification: Uncertain significance for Cardiovascular phenotype. Last evaluated: 2020-03-30. Review status: criteria provided, single submitter. Criteria: Ambry Variant Classification Scheme 2023. Collection method: clinical testing. Allele origin: germline.
Comment: The p.K14038Q variant (also known as c.42112A>C), located in coding exon 151 of the TTN gene, results from an A to C substitution at nucleotide position 42112. The lysine at codon 14038 is replaced by glutamine, an amino acid with similar properties. This amino acid position is highly conserved in available vertebrate species. In addition, this alteration is predicted to be tolerated by in silico analysis. Since supporting evidence is limited at this time, the clinical significance of this alteration remains unclear.